The following is an entry in ClinVar:

NM_001110556.2(FLNA):c.2452del (p.Ala818fs)

Gene: FLNA (filamin A; minus strand). Cytogenetic location: Xq28.
Variant type: Deletion.
Coding change: c.2452del on transcript NM_001110556.2 (MANE Select); coding-DNA position 2452, one base deleted (G; older notation c.2452delG).
Protein change: p.Ala818fs; shifts the reading frame from alanine 818.
Molecular consequence: frameshift variant.
Genome position (GRCh38, 1-based): chrX:154,362,531, C deleted on the plus strand (G on the coding strand, the reverse complement: FLNA is on the minus strand). VCF-style (leftmost placement, unchanged base first): chrX-154362530-GC-G. GRCh37 (hg19) VCF-style: chrX-153590898-GC-G.
Other names: c.2452delG (NM_001456.3); c.2452del, p.Ala818fs (NM_001456.4); short protein forms A818fs.
Identifiers: ClinVar variation 659278 (VCV000659278.8), dbSNP rs1603361851, ClinGen allele CA915952394.

ClinVar aggregate classification (germline): Pathogenic (1 of 4 stars; one submission).

Conditions:
Frontometaphyseal dysplasia (FMD1). Identifiers: Orphanet 1826, MedGen C0265293, MONDO:0015942.
Oto-palato-digital syndrome, type II (OPD2). Also called: FACIOPALATOOSSEOUS SYNDROME; Otopalatodigital Syndrome, Type II; Otopalatodigital Syndrome Type 2 (FLNA-OPD2); OPD II SYNDROME. Identifiers: Orphanet 669, Orphanet 90652, MedGen C1844696, MONDO:0010571, OMIM 304120.
Heterotopia, periventricular, X-linked dominant (PVNH1). Also called: PERIVENTRICULAR NODULAR HETEROTOPIA 4; HETEROTOPIA, PERIVENTRICULAR, 1; PERIVENTRICULAR NODULAR HETEROTOPIA 1; X-linked periventricular heterotopia. Identifiers: Orphanet 2149, Orphanet 82004, MedGen C1848213, MONDO:0010233, OMIM 300049.
Melnick-Needles syndrome (MNS). Also called: Melnick-Needles Syndrome (FLNA-MNS); MELNICK-NEEDLES OSTEODYSPLASTY; OSTEODYSPLASTY OF MELNICK AND NEEDLES. Identifiers: Orphanet 2484, MedGen C0025237, MONDO:0010650, OMIM 309350.

Submission:

Labcorp Genetics (formerly Invitae), Labcorp
Classification: Pathogenic for Oto-palato-digital syndrome, type II; Heterotopia, periventricular, X-linked dominant; Frontometaphyseal dysplasia; Melnick-Needles syndrome. Last evaluated: 2018-11-17. Review status: criteria provided, single submitter. Criteria: Invitae Variant Classification Sherloc (09022015). Collection method: clinical testing. Allele origin: germline.
Comment: For these reasons, this variant has been classified as Pathogenic. Loss-of-function variants in FLNA are known to be pathogenic (PMID: 16684786, 20730588, 26471271). This variant has not been reported in the literature in individuals with FLNA-related disease. This variant is not present in population databases (ExAC no frequency). This sequence change creates a premature translational stop signal (p.Ala818Profs*58) in the FLNA gene. It is expected to result in an absent or disrupted protein product.

Literature cited by the submitters: PubMed 16684786; PubMed 20730588; PubMed 26471271.